The following is an entry in ClinVar:

ClinVar aggregate classification (germline): Likely benign. Review status: criteria provided, multiple submitters, no conflicts (2 of 4 stars). 2 submissions from 2 submitters: Likely benign (2). Last evaluated 2025-01-26.

Conditions:
Hereditary breast ovarian cancer syndrome. Also called: BRCA1- and BRCA2-Associated Hereditary Breast and Ovarian Cancer; Hereditary breast and ovarian cancer syndrome; Hereditary breast and ovarian cancer; Hereditary breast and ovarian cancer syndrome (HBOC); Breast and ovarian cancer; Hereditary breast and/or ovarian cancer syndrome. Identifiers: Orphanet 145, MedGen C0677776, MeSH D061325, MONDO:0003582. Disease mechanism: loss of function.

Allele frequency attached by ClinVar (database versions not stated): gnomAD 0.00001.
gnomAD v4.1: 1 of 1,613,656 alleles (0.000062%); highest among the groups gnomAD compares: African/African-American, 0.0013%; no homozygotes.

Submissions (2):

Labcorp Genetics (formerly Invitae), Labcorp
Classification: Likely benign for Hereditary breast ovarian cancer syndrome. Last evaluated: 2025-01-26. Review status: criteria provided, single submitter. Criteria: Invitae Variant Classification Sherloc (09022015). Collection method: clinical testing. Allele origin: germline.

GeneDx
Classification: Likely benign. Last evaluated: 2016-12-05. Review status: criteria provided, single submitter. Criteria: GeneDx Variant Classification (06012015). Collection method: clinical testing. Allele origin: germline. Affected: yes.
Comment: This variant is considered likely benign or benign based on one or more of the following criteria: it is a conservative change, it occurs at a poorly conserved position in the protein, it is predicted to be benign by multiple in silico algorithms, and/or has population frequency not consistent with disease.

NM_000059.4(BRCA2):c.9118-11G>A

Gene: BRCA2 (BRCA2 DNA repair associated; plus strand). Cytogenetic location: 13q13.1.
Variant type: single nucleotide variant.
Coding change: c.9118-11G>A on transcript NM_000059.4 (MANE Select); 11 bases into the intron before coding-DNA position 9118, G replaced by A.
Molecular consequence: intron variant.
Genome position (GRCh38, 1-based): chr13:32,379,996, G>A. VCF-style: chr13-32379996-G-A. GRCh37 (hg19) VCF-style: chr13-32954133-G-A.
Identifiers: ClinVar variation 236926 (VCV000236926.9), dbSNP rs878853617, ClinGen allele CA10583149.